The following is an entry in ClinVar:

NM_001376.5(DYNC1H1):c.8326T>A (p.Phe2776Ile)

Gene: DYNC1H1 (dynein cytoplasmic 1 heavy chain 1; plus strand). Cytogenetic location: 14q32.31.
Variant type: single nucleotide variant.
Coding change: c.8326T>A on transcript NM_001376.5 (MANE Select); coding-DNA position 8326, T replaced by A.
Protein change: p.Phe2776Ile; replaces phenylalanine 2776 with isoleucine.
Molecular consequence: missense variant.
Genome position (GRCh38, 1-based): chr14:102,018,599, T>A. VCF-style: chr14-102018599-T-A. GRCh37 (hg19) VCF-style: chr14-102484936-T-A.
Other names: c.8326T>A (NM_001376.4); short protein forms F2776I.
Identifiers: ClinVar variation 1447706 (VCV001447706.8), dbSNP rs748320904, ClinGen allele CA7352993.
Genomic context (GRCh38, chr14:102,018,599, plus strand): 5'-CTGAGGCTCATTCCATCCCTGCGGACGTATGCAGAGCCGCTCACTGCTGCCATGGTGGAG[T>A]TCTACACCATGTCTCAGGTACGCAGAGTTTCTTTGCTCTTCCAGAAATTGTTTTCCTCTC-3'
Protein context (NP_001367.2, residues 2766-2786): AEPLTAAMVE[Phe2776Ile]YTMSQERFTQ

ClinVar aggregate classification (germline): Conflicting classifications of pathogenicity. Review status: criteria provided, conflicting classifications (1 of 4 stars). 2 submissions from 2 submitters: Uncertain significance (1); Likely benign (1). Last evaluated 2025-10-24.

Conditions:
Charcot-Marie-Tooth disease axonal type 2O. Also called: CHARCOT-MARIE-TOOTH NEUROPATHY, AXONAL, TYPE 2O; CHARCOT-MARIE-TOOTH DISEASE, AXONAL, AUTOSOMAL DOMINANT, TYPE 2O; Charcot-Marie-Tooth Neuropathy Type 2O; Charcot-Marie-Tooth disease, axonal, type 20. Identifiers: Orphanet 284232, MedGen C3280220, MONDO:0013644, OMIM 614228.

Allele frequency attached by ClinVar (database versions not stated): gnomAD 0.00001; gnomAD exomes 0.00001; ExAC 0.00002.
gnomAD v4.1: 8 of 1,610,838 alleles (0.0005%); highest among the groups gnomAD compares: Non-Finnish European, 0.00068%; no homozygotes.

Submissions (2):

Labcorp Genetics (formerly Invitae), Labcorp
Classification: Likely benign for Charcot-Marie-Tooth disease axonal type 2O. Last evaluated: 2025-10-24. Review status: criteria provided, single submitter. Criteria: Invitae Variant Classification Sherloc (09022015). Collection method: clinical testing. Allele origin: germline.

GeneDx
Classification: Uncertain significance. Last evaluated: 2023-04-04. Review status: criteria provided, single submitter. Criteria: GeneDx Variant Classification Process June 2021. Collection method: clinical testing. Allele origin: germline. Affected: yes.
Comment: In silico analysis supports that this missense variant has a deleterious effect on protein structure/function; Has not been previously published as pathogenic or benign to our knowledge; This variant is associated with the following publications: (PMID: 26100331, 25609763, 25512093)